The following is an entry in ClinVar:

NM_000132.4(F8):c.3137C>A (p.Ser1046Ter)

Gene: F8 (coagulation factor VIII; minus strand). Cytogenetic location: Xq28.
Variant type: single nucleotide variant.
Coding change: c.3137C>A on transcript NM_000132.4 (MANE Select); coding-DNA position 3137, C replaced by A.
Protein change: p.Ser1046Ter; replaces serine 1046 with a stop codon.
Molecular consequence: nonsense.
Genome position (GRCh38, 1-based): chrX:154,930,653, G>T on the plus strand (C>A on the coding strand, the complement: F8 is on the minus strand). VCF-style: chrX-154930653-G-T. GRCh37 (hg19) VCF-style: chrX-154158928-G-T.
Other names: short protein forms S1046*.
Identifiers: ClinVar variation 2682352 (VCV002682352.1), dbSNP rs2523913122, ClinGen allele CA414898486.
Genomic context (GRCh38, chrX:154,930,653, plus strand): 5'-TGAATCAAAGGTGTCACTTTTTTAAACTCAGTGTCACTTTCTAATATATTTTGCCAGACT[G>T]ATGGACTATTCTCAATTAATAATGATGGGCCATCAATGTGAGTCTTTCTATTAGTTGCTG-3'

ClinVar aggregate classification (germline): Pathogenic (1 of 4 stars; one submission).

Conditions:
Hereditary factor VIII deficiency disease (HEMA). Also called: HEMOPHILIA, CLASSIC; AUTOSOMAL HEMOPHILIA A; Hemophilia A; Hemophilia A, congenital; HEM A; Factor 8 deficiency, congenital. Identifiers: Orphanet 98878, MedGen C0019069, MONDO:0010602, OMIM 306700.

Submission:

Women's Health and Genetics/Laboratory Corporation of America, LabCorp
Classification: Pathogenic for Hereditary factor VIII deficiency disease. Last evaluated: 2023-11-07. Review status: criteria provided, single submitter. Criteria: LabCorp Variant Classification Summary - May 2015. Collection method: clinical testing. Allele origin: germline.
Comment: Variant summary: F8 c.3137C>A (p.Ser1046X) results in a premature termination codon, predicted to cause a truncation of the encoded protein or absence of the protein due to nonsense mediated decay, which are commonly known mechanisms for disease. Variants downstream of this position have been classified as pathogenic by our laboratory. The variant was absent in 181917 control chromosomes (gnomAD). c.3137C>A has been reported in the literature in at-least one individual affected with sporadic Factor VIII Deficiency (Hemophilia A) (example: Lu_2018). The following publication has been ascertained in the context of this evaluation (PMID: 29381227). To our knowledge, no experimental evidence demonstrating an impact on protein function has been reported. No submitters have cited clinical-significance assessments for this variant to ClinVar after 2014. Based on the evidence outlined above, the variant was classified as pathogenic.

Literature cited by the submitters: PubMed 29381227.